The following is an entry in ClinVar:

ClinVar aggregate classification (germline): Uncertain significance (1 of 4 stars; one submission).

Allele frequency attached by ClinVar (database versions not stated): gnomAD 0.00001; TOPMed 0.00001.

Submission:

GeneDx
Classification: Uncertain significance. Last evaluated: 2020-12-01. Review status: criteria provided, single submitter. Criteria: GeneDx Variant Classification Process June 2021. Collection method: clinical testing. Allele origin: germline. Affected: yes.
Comment: Not observed in large population cohorts (Lek et al., 2016); In silico analysis supports that this missense variant does not alter protein structure/function; Has not been previously published as pathogenic or benign to our knowledge

NM_012330.4(KAT6B):c.3841A>G (p.Met1281Val)

Gene: KAT6B (lysine acetyltransferase 6B; plus strand). Cytogenetic location: 10q22.2.
Variant type: single nucleotide variant.
Coding change: c.3841A>G on transcript NM_012330.4 (MANE Select); coding-DNA position 3841, A replaced by G.
Protein change: p.Met1281Val; replaces methionine 1281 with valine.
Molecular consequence: missense variant.
Genome position (GRCh38, 1-based): chr10:75,028,665, A>G. VCF-style: chr10-75028665-A-G. GRCh37 (hg19) VCF-style: chr10-76788423-A-G.
Other names: c.3292A>G, p.Met1098Val (NM_001256468.2, NM_001370138.1); c.2965A>G, p.Met989Val (NM_001256469.2, NM_001370139.1, NM_001370140.1 and 2 more transcripts); c.2803A>G, p.Met935Val (NM_001370132.1); c.2152A>G, p.Met718Val (NM_001370133.1); c.1756A>G, p.Met586Val (NM_001370134.1); c.1498A>G, p.Met500Val (NM_001370135.1); c.3841A>G, p.Met1281Val (NM_001370136.1, NM_001370137.1); c.2776A>G, p.Met926Val (NM_001370143.1, NM_001370144.1); short protein forms M1098V, M1281V, M500V, M586V, M718V, M926V, M935V, M989V.
Identifiers: ClinVar variation 1303365 (VCV001303365.2), dbSNP rs770307489, ClinGen allele CA209709175.
Genomic context (GRCh38, chr10:75,028,665, plus strand): 5'-CAAAACAAAGAGAGGAAGACCGGATTTAAACTGAATTTGTACACCCCGCCAGAAACACCC[A>G]TGGAGCCTGACGAGCAGGTAACAGTGGAAGAACAGAAGGAGACTTCAGAAGGAAAAACCA-3'
Protein context (NP_036462.2, residues 1271-1291): LNLYTPPETP[Met1281Val]EPDEQVTVEE